The following is an entry in ClinVar:

NM_015909.4(NBAS):c.829C>A (p.Leu277Ile)

Gene: NBAS (NBAS subunit of NRZ tethering complex; minus strand). Cytogenetic location: 2p24.3.
Variant type: single nucleotide variant.
Coding change: c.829C>A on transcript NM_015909.4 (MANE Select); coding-DNA position 829, C replaced by A.
Protein change: p.Leu277Ile; replaces leucine 277 with isoleucine.
Molecular consequence: missense variant. On other transcripts: non-coding transcript variant (1).
Genome position (GRCh38, 1-based): chr2:15,511,268, G>T on the plus strand (C>A on the coding strand, the complement: NBAS is on the minus strand). VCF-style: chr2-15511268-G-T. GRCh37 (hg19) VCF-style: chr2-15651392-G-T.
Other names: short protein forms L277I.
Identifiers: ClinVar variation 1472072 (VCV001472072.6), dbSNP rs1662129513, ClinGen allele CA345898527.

ClinVar aggregate classification (germline): Uncertain significance (1 of 4 stars; one submission).

gnomAD v4.1: 1 of 1,614,040 alleles (0.000062%); highest among the groups gnomAD compares: Non-Finnish European, 0.000085%; no homozygotes.

Submission:

Labcorp Genetics (formerly Invitae), Labcorp
Classification: Uncertain significance. Last evaluated: 2021-10-21. Review status: criteria provided, single submitter. Criteria: Invitae Variant Classification Sherloc (09022015). Collection method: clinical testing. Allele origin: germline.
Comment: In summary, the available evidence is currently insufficient to determine the role of this variant in disease. Therefore, it has been classified as a Variant of Uncertain Significance. Algorithms developed to predict the effect of missense changes on protein structure and function are either unavailable or do not agree on the potential impact of this missense change (SIFT: "Deleterious"; PolyPhen-2: "Possibly Damaging"; Align-GVGD: "Class C0"). This variant has not been reported in the literature in individuals affected with NBAS-related conditions. This variant is not present in population databases (ExAC no frequency). This sequence change replaces leucine with isoleucine at codon 277 of the NBAS protein (p.Leu277Ile). The leucine residue is highly conserved and there is a small physicochemical difference between leucine and isoleucine.